The following is an entry in ClinVar:

NM_016464.5(TMEM138):c.457C>G (p.Leu153Val)

Gene: TMEM138 (transmembrane protein 138; plus strand). Cytogenetic location: 11q12.2.
Variant type: single nucleotide variant.
Coding change: c.457C>G on transcript NM_016464.5 (MANE Select); coding-DNA position 457, C replaced by G.
Protein change: p.Leu153Val; replaces leucine 153 with valine.
Molecular consequence: missense variant. On other transcripts: non-coding transcript variant (1).
Genome position (GRCh38, 1-based): chr11:61,368,677, C>G. VCF-style: chr11-61368677-C-G. GRCh37 (hg19) VCF-style: chr11-61136149-C-G.
Other names: c.283C>G, p.Leu95Val (NM_001330281.2); short protein forms L95V, L153V.
Identifiers: ClinVar variation 1352515 (VCV001352515.6), dbSNP rs745506522, ClinGen allele CA6034663.

ClinVar aggregate classification (germline): Uncertain significance (1 of 4 stars; one submission).

Conditions:
Joubert syndrome 16 (JBTS16). Identifiers: Orphanet 2318, MedGen C3280906, MONDO:0013764, OMIM 614465.

Allele frequency attached by ClinVar (database versions not stated): gnomAD 0.00001; TOPMed 0.00001; gnomAD exomes 0.00002 and 0.00005; ExAC 0.00003.
gnomAD v4.1: 29 of 1,613,944 alleles (0.0018%); highest among the groups gnomAD compares: South Asian, 0.029%; 1 homozygote.

Submission:

Labcorp Genetics (formerly Invitae), Labcorp
Classification: Uncertain significance for Joubert syndrome 16. Last evaluated: 2021-08-02. Review status: criteria provided, single submitter. Criteria: Invitae Variant Classification Sherloc (09022015). Collection method: clinical testing. Allele origin: germline.
Comment: In summary, the available evidence is currently insufficient to determine the role of this variant in disease. Therefore, it has been classified as a Variant of Uncertain Significance. Algorithms developed to predict the effect of sequence changes on RNA splicing suggest that this variant may create or strengthen a splice site. Algorithms developed to predict the effect of missense changes on protein structure and function are either unavailable or do not agree on the potential impact of this missense change (SIFT: "Deleterious"; PolyPhen-2: "Probably Damaging"; Align-GVGD: "Class C15"). This variant has not been reported in the literature in individuals affected with TMEM138-related conditions. This variant is present in population databases (rs745506522, ExAC 0.02%). This sequence change replaces leucine with valine at codon 153 of the TMEM138 protein (p.Leu153Val). The leucine residue is highly conserved and there is a small physicochemical difference between leucine and valine.